The following is an entry in ClinVar:

NM_001267550.2(TTN):c.18856G>A (p.Val6286Ile)

Genes: TTN (titin; minus strand), LOC126806430 (BRD4-independent group 4 enhancer GRCh37_chr2:179593794-179594993; plus strand). Cytogenetic location: 2q31.2.
Variant type: single nucleotide variant.
Coding change: c.18856G>A on transcript NM_001267550.2 (MANE Select); coding-DNA position 18856, G replaced by A.
Protein change: p.Val6286Ile; replaces valine 6286 with isoleucine.
Molecular consequence: missense variant. On other transcripts: intron variant (3).
Genome position (GRCh38, 1-based): chr2:178,729,300, C>T on the plus strand (G>A on the coding strand, the complement: TTN is on the minus strand). VCF-style: chr2-178729300-C-T. GRCh37 (hg19) VCF-style: chr2-179594027-C-T.
Other names: p.V5969I:GTT>ATT; c.17905G>A, p.Val5969Ile (NM_001256850.1); c.15124G>A, p.Val5042Ile (NM_133378.4); c.13282+8782G>A (NM_003319.4); c.13858+8782G>A (NM_133437.4); c.13657+8782G>A (NM_133432.3); short protein forms V6286I, V5042I, V5969I.
Identifiers: ClinVar variation 46648 (VCV000046648.35), dbSNP rs149131555, ClinGen allele CA282728.

ClinVar aggregate classification (germline): Conflicting classifications of pathogenicity. Review status: criteria provided, conflicting classifications (1 of 4 stars). 18 submissions from 14 submitters: Uncertain significance (4); Benign (9); Likely benign (3). 2 of the submissions do not count toward it. Last evaluated 2026-02-03.

Conditions:
Dilated cardiomyopathy 1G (CMD1G). Identifiers: Orphanet 154, MedGen C1858763, MONDO:0011400, OMIM 604145.
Autosomal recessive limb-girdle muscular dystrophy type 2J (LGMDR10). Also called: MUSCULAR DYSTROPHY, LIMB-GIRDLE, AUTOSOMAL RECESSIVE 10; Limb-girdle muscular dystrophy, type 2J. Identifiers: Orphanet 140922, MedGen C1837342, MONDO:0012127, OMIM 608807.
Cardiomyopathy (CMYO). Also called: Cardiomyopathies. Identifiers: Orphanet 167848, MedGen C0878544, MONDO:0004994, HP:0001638. Inheritance: Various modes of inheritance.
Myopathy, myofibrillar, 9, with early respiratory failure (MFM9). Also called: Myopathy, distal, with early respiratory failure, autosomal dominant; Hereditary myopathy with early respiratory failure; MYOPATHY, PROXIMAL, WITH EARLY RESPIRATORY MUSCLE INVOLVEMENT; EDSTROM MYOPATHY. Identifiers: Orphanet 178464, Orphanet 34521, MedGen C1863599, MONDO:0011362, OMIM 603689.
Early-onset myopathy with fatal cardiomyopathy (CMYO5). Also called: CONGENITAL MYOPATHY 5 WITH CARDIOMYOPATHY; Salih Myopathy. Identifiers: Orphanet 289377, MedGen C2673677, MONDO:0012714, OMIM 611705. Disease mechanism: loss of function.
Tibial muscular dystrophy (TMD). Also called: Udd Distal Myopathy – Tibial Muscular Dystrophy; Tibial muscular dystrophy, tardive; UDD MYOPATHY. Identifiers: Orphanet 609, MedGen C1838244, MONDO:0010870, OMIM 600334.

Allele frequency attached by ClinVar (database versions not stated): ExAC 0.00058; ESP Exome Variant Server 0.00217; gnomAD exomes 0.00017 and 0.00043; gnomAD 0.00184 and 0.00180; 1000 Genomes Project 30x 0.00328; 1000 Genomes Project 0.00339; TOPMed 0.00189.
gnomAD v4.1: 532 of 1,610,014 alleles (0.033%); highest among the groups gnomAD compares: African/African-American, 0.63%; 4 homozygotes.

Submissions (18):

Labcorp Genetics (formerly Invitae), Labcorp
Classification: Benign for Dilated cardiomyopathy 1G; Autosomal recessive limb-girdle muscular dystrophy type 2J. Last evaluated: 2026-02-03. Review status: criteria provided, single submitter. Criteria: Invitae Variant Classification Sherloc (09022015). Collection method: clinical testing. Allele origin: germline.

Athena Diagnostics
Classification: Benign. Last evaluated: 2025-09-18. Review status: criteria provided, single submitter. Criteria: Athena Diagnostics Criteria. Collection method: clinical testing. Allele origin: unknown.
Comment: The frequency of this variant in the general population is higher than would generally be expected for pathogenic variants in this gene. Computational tools predict this amino acid change may be benign.

Molecular Diagnostic Laboratory for Inherited Cardiovascular Disease, Montreal Heart Institute
Classification: Likely benign. Last evaluated: 2025-04-09. Review status: criteria provided, single submitter. Criteria: ACMG Guidelines, 2015. Collection method: clinical testing. Allele origin: germline. Affected: no.

Blueprint Genetics
Classification: Likely benign. Last evaluated: 2024-10-24. Review status: criteria provided, single submitter. Criteria: ACMG Guidelines, 2015. Collection method: clinical testing. Allele origin: germline.

Women's Health and Genetics/Laboratory Corporation of America, LabCorp
Classification: Benign. Last evaluated: 2022-02-06. Review status: criteria provided, single submitter. Criteria: LabCorp Variant Classification Summary - May 2015. Collection method: clinical testing. Allele origin: germline.
Comment: Variant summary: TTN c.15124G>A (p.Val5042Ile) results in a conservative amino acid change located in the I Band domain of the encoded protein sequence. Three of four in-silico tools predict a benign effect of the variant on protein function. The variant allele was found at a frequency of 0.00043 in 246224 control chromosomes, predominantly at a frequency of 0.0063 within the African or African-American subpopulation in the gnomAD database, including 1 homozygotes. The observed variant frequency within African or African-American control individuals in the gnomAD database is approximately 10 fold of the estimated maximal expected allele frequency for a pathogenic variant in TTN causing Cardiomyopathy phenotype (0.00063), strongly suggesting that the variant is a benign polymorphism found primarily in populations of African or African-American origin. To our knowledge, no occurrence of c.15124G>A in individuals affected with Cardiomyopathy and no experimental evidence demonstrating its impact on protein function have been reported. At-least one co-occurrence with another pathogenic variant has been observed at our laboratory (TTR c.424G>A, p.Val142Ile), providing supporting evidence for a benign role. Seven clinical diagnostic laboratories have submitted clinical-significance assessments for this variant to ClinVar after 2014 without evidence for independent evaluation. Multiple laboratories reported the variant with conflicting assessments but a majority consensus as benign/likely benign (n=5) (VUS, n=2). Based on the evidence outlined above, the variant was classified as benign.

Baylor Genetics
Classification: Uncertain significance for Autosomal recessive limb-girdle muscular dystrophy type 2J. Last evaluated: 2020-09-30. Review status: criteria provided, single submitter. Criteria: ACMG Guidelines, 2015. Collection method: clinical testing. Allele origin: unknown. Affected: yes.
Comment: This variant was determined to be of uncertain significance according to ACMG Guidelines, 2015 [PMID:25741868].

CHEO Genetics Diagnostic Laboratory, Children's Hospital of Eastern Ontario
Classification: Benign for Cardiomyopathy. Last evaluated: 2020-06-22. Review status: criteria provided, single submitter. Criteria: ACMG Guidelines, 2015. Collection method: clinical testing. Allele origin: germline. Study: Canadian Open Genetics Repository.

Center for Advanced Laboratory Medicine, UC San Diego Health, University of California San Diego
Classification: Benign for Cardiomyopathy. Last evaluated: 2019-04-17. Review status: criteria provided, single submitter. Criteria: ACMG Guidelines, 2015. Collection method: clinical testing. Allele origin: germline. Affected: yes. Observed: 1 variant allele.

Illumina Laboratory Services, Illumina
Classification: Benign for Tibial muscular dystrophy. Last evaluated: 2018-01-13. Review status: criteria provided, single submitter. Criteria: ICSL Variant Classification Criteria 13 December 2019. Collection method: clinical testing. Allele origin: germline.
Comment: This variant was observed in the ICSL laboratory as part of a predisposition screen in an ostensibly healthy population. It had not been previously curated by ICSL or reported in the Human Gene Mutation Database (HGMD: prior to June 1st, 2018), and was therefore a candidate for classification through an automated scoring system. Utilizing variant allele frequency, disease prevalence and penetrance estimates, and inheritance mode, an automated score was calculated to assess if this variant is too frequent to cause the disease. Based on the score and internal cut-off values, a variant classified as benign is not then subjected to further curation. The score for this variant resulted in a classification of benign for this disease.

Illumina Laboratory Services, Illumina
Classification: Uncertain significance for Autosomal recessive limb-girdle muscular dystrophy type 2J. Last evaluated: 2018-01-13. Review status: criteria provided, single submitter. Criteria: ICSL Variant Classification Criteria 13 December 2019. Collection method: clinical testing. Allele origin: germline.

Illumina Laboratory Services, Illumina
Classification: Uncertain significance for Dilated cardiomyopathy 1G. Last evaluated: 2018-01-13. Review status: criteria provided, single submitter. Criteria: ICSL Variant Classification Criteria 13 December 2019. Collection method: clinical testing. Allele origin: germline.

Illumina Laboratory Services, Illumina
Classification: Benign for Myopathy, myofibrillar, 9, with early respiratory failure. Last evaluated: 2018-01-13. Review status: criteria provided, single submitter. Criteria: ICSL Variant Classification Criteria 13 December 2019. Collection method: clinical testing. Allele origin: germline.
Comment: the same text as in the submission from Illumina Laboratory Services, Illumina above.

Illumina Laboratory Services, Illumina
Classification: Uncertain significance for Early-onset myopathy with fatal cardiomyopathy. Last evaluated: 2018-01-13. Review status: criteria provided, single submitter. Criteria: ICSL Variant Classification Criteria 13 December 2019. Collection method: clinical testing. Allele origin: germline.

Eurofins Ntd Llc (ga)
Classification: Benign. Last evaluated: 2017-01-30. Review status: criteria provided, single submitter. Criteria: EGL Classification Definitions 2015. Collection method: clinical testing. Allele origin: germline. Observed: 3 variant alleles, 3 heterozygotes.

GeneDx
Classification: Benign. Last evaluated: 2014-05-06. Review status: criteria provided, single submitter. Criteria: GeneDx Variant Classification (06012015). Collection method: clinical testing. Allele origin: germline. Affected: yes.
Comment: This variant is considered likely benign or benign based on one or more of the following criteria: it is a conservative change, it occurs at a poorly conserved position in the protein, it is predicted to be benign by multiple in silico algorithms, and/or has population frequency not consistent with disease.

Laboratory for Molecular Medicine, Mass General Brigham Personalized Medicine
Classification: Likely benign. Last evaluated: 2012-03-19. Review status: criteria provided, single submitter. Criteria: LMM Criteria. Collection method: clinical testing. Allele origin: germline. Observed: 2 variant alleles.
Comment: Val5042Ile in exon 61 of TTN: This variant is not expected to have clinical sign ificance because it has been identified in 0.7% (26/3750) of African American ch romosomes from a broad population by the NHLBI Exome Sequencing Project (dbSNP rs149131555). Val5042Ile in exon 61 of TTN (rs 149131555; allele frequency = 0.7%, 26/3750) **

Clinical Genetics DNA and cytogenetics Diagnostics Lab, Erasmus MC, Erasmus Medical Center
Classification: Benign. Review status: no assertion criteria provided. Collection method: clinical testing. Allele origin: germline. Affected: yes. Study: VKGL Data-share Consensus. Not counted in ClinVar's aggregate classification.

Clinical Genetics, Academic Medical Center
Classification: Benign. Review status: no assertion criteria provided. Collection method: clinical testing. Allele origin: germline. Affected: yes. Study: VKGL Data-share Consensus. Not counted in ClinVar's aggregate classification.

Literature cited by the submitters: PubMed 30681346 (cited by Athena Diagnostics).